The following is an entry in ClinVar:

NM_000237.3(LPL):c.727T>A (p.Cys243Ser)

Gene: LPL (lipoprotein lipase; plus strand). Cytogenetic location: 8p21.3.
Variant type: single nucleotide variant.
Coding change: c.727T>A on transcript NM_000237.3 (MANE Select); coding-DNA position 727, T replaced by A.
Protein change: p.Cys243Ser; replaces cysteine 243 with serine.
Molecular consequence: missense variant.
Genome position (GRCh38, 1-based): chr8:19,954,305, T>A. VCF-style: chr8-19954305-T-A. GRCh37 (hg19) VCF-style: chr8-19811816-T-A.
Other names: c.727T>A (NM_000237.2); short protein forms C243S.
Identifiers: ClinVar variation 3895920 (VCV003895920.2).

ClinVar aggregate classification (germline): Likely pathogenic. Review status: criteria provided, multiple submitters, no conflicts (2 of 4 stars). 2 submissions from 2 submitters: Likely pathogenic (2). Last evaluated 2025-03-26.

Conditions:
Hyperlipoproteinemia, type I. Also called: Familial hyperlipo-proteinemia type 1; Hyperlipemia essential familial; HYPERLIPOPROTEINEMIA, TYPE IA; LPL DEFICIENCY; Lipase D deficiency; Familial Lipoprotein Lipase Deficiency. Identifiers: Orphanet 309015, Orphanet 444490, MedGen C0023817, MONDO:0009387, OMIM 238600. Disease mechanism: loss of function.

gnomAD v4.1: 3 of 1,614,194 alleles (0.00019%); highest among the groups gnomAD compares: Middle Eastern, 0.016%; no homozygotes.

Submissions (2):

Women's Health and Genetics/Laboratory Corporation of America, LabCorp
Classification: Likely pathogenic for Hyperlipoproteinemia, type I. Last evaluated: 2025-03-26. Review status: criteria provided, single submitter. Criteria: LabCorp Variant Classification Summary - May 2015. Collection method: clinical testing. Allele origin: germline.
Comment: Variant summary: LPL c.727T>A (p.Cys243Ser) results in a non-conservative amino acid change in the encoded protein sequence. Five of five in-silico tools predict a damaging effect of the variant on protein function. The variant was absent in 251442 control chromosomes. c.727T>A has been reported in the presumed or confirmed compound heterozygous state in the literature in multiple individuals affected with Familial Lipoprotein Lipase Deficiency (example, Ma_1992, Gotoda_2012, Rodrigues_2016). These data indicate that the variant may be associated with disease. At least one publication reports experimental evidence evaluating an impact on protein function. The most pronounced variant effect results in <10% of normal activity in vitro (example, Ma_1992). The following publications have been ascertained in the context of this evaluation (PMID: 22129523, 1730727, 27055971). No submitters have cited clinical-significance assessments for this variant to ClinVar. Based on the evidence outlined above, the variant was classified as likely pathogenic.

Natera, Inc.
Classification: Likely pathogenic for Lipoprotein lipase deficiency. Last evaluated: 2024-07-15. Review status: criteria provided, single submitter. Criteria: Natera Variant Classification Schema (03/2026). Collection method: clinical testing. Allele origin: germline.
Comment: The c.727T>A variant in LPL is a missense variant predicted to cause substitution of cysteine to serine at amino acid 243. This variant is rare in the general population with a frequency below the threshold expected for the associated phenotype(s). This variant has been observed in one or more individuals affected with the associated recessive disease, as either homozygous or compound heterozygous with a second variant (PMID: 1730727). Functional studies show that this variant may disrupt protein function (PMID: 1730727, 8486765). Computational prediction algorithms indicate this variant is likely to affect gene or protein function. Given the available evidence, this variant is classified as Likely Pathogenic.

Literature cited by the submitters: PubMed 22129523 (cited by Women's Health and Genetics/Laboratory Corporation of America, LabCorp); PubMed 27055971 (cited by Women's Health and Genetics/Laboratory Corporation of America, LabCorp); PubMed 1730727 (cited by Women's Health and Genetics/Laboratory Corporation of America, LabCorp and Natera, Inc.); PubMed 8486765 (cited by Natera, Inc.).